The following is an entry in ClinVar:

ClinVar aggregate classification (germline): Benign/Likely benign. Review status: criteria provided, multiple submitters, no conflicts (2 of 4 stars). 10 submissions from 10 submitters: Benign (5); Likely benign (4). 1 of the submissions does not count toward it. Last evaluated 2026-02-03.

Conditions:
AXIN2-related disorder.
Oligodontia-cancer predisposition syndrome. Also called: TOOTH AGENESIS-COLORECTAL CANCER SYNDROME. Identifiers: Orphanet 300576, MedGen C1837750, MONDO:0012075, OMIM 608615. Disease mechanism: loss of function.
Colorectal cancer. Also called: Malignant Colorectal Neoplasm; Colorectal cancer, somatic. Identifiers: MedGen C0346629, MONDO:0005575, OMIM 114500.
Hereditary cancer-predisposing syndrome. Also called: Tumor predisposition; Hereditary Cancer Syndrome; Neoplastic Syndromes, Hereditary; Hereditary neoplastic syndrome. Identifiers: Orphanet 140162, MedGen C0027672, MeSH D009386, MONDO:0015356.

Allele frequency attached by ClinVar (database versions not stated): gnomAD 0.00009; TOPMed 0.00011; 1000 Genomes Project 0.00060; 1000 Genomes Project 30x 0.00062.
gnomAD v4.1: 95 of 1,613,996 alleles (0.0059%); highest among the groups gnomAD compares: East Asian, 0.08%; no homozygotes.

Submissions (10):

Labcorp Genetics (formerly Invitae), Labcorp
Classification: Benign for Oligodontia-cancer predisposition syndrome. Last evaluated: 2026-02-03. Review status: criteria provided, single submitter. Criteria: Invitae Variant Classification Sherloc (09022015). Collection method: clinical testing. Allele origin: germline.

Women's Health and Genetics/Laboratory Corporation of America, LabCorp
Classification: Likely benign. Last evaluated: 2025-11-25. Review status: criteria provided, single submitter. Criteria: LabCorp Variant Classification Summary - May 2015. Collection method: clinical testing. Allele origin: germline.

Center for Genomic Medicine, Rigshospitalet, Copenhagen University Hospital
Classification: Likely benign. Last evaluated: 2025-03-04. Review status: criteria provided, single submitter. Criteria: ACMG Guidelines, 2015. Collection method: clinical testing. Allele origin: germline.

CeGaT Center for Human Genetics Tuebingen
Classification: Likely benign. Last evaluated: 2025-02-01. Review status: criteria provided, single submitter. Criteria: CeGaT Center For Human Genetics Tuebingen Variant Classification Criteria Version 2. Collection method: clinical testing. Allele origin: germline. Affected: yes. Observed: 1 variant allele.
Comment: AXIN2: BP4

KCCC/NGS Laboratory, Kuwait Cancer Control Center
Classification: Benign for Oligodontia-cancer predisposition syndrome. Last evaluated: 2025-02-01. Review status: criteria provided, single submitter. Criteria: ACMG Guidelines, 2015. Collection method: clinical testing. Allele origin: germline. Affected: no.

Fulgent Genetics
Classification: Likely benign for Colorectal cancer; Oligodontia-cancer predisposition syndrome. Last evaluated: 2022-05-13. Review status: criteria provided, single submitter. Criteria: ACMG Guidelines, 2015. Collection method: clinical testing. Allele origin: unknown.

Sema4
Classification: Benign for Hereditary cancer-predisposing syndrome. Last evaluated: 2021-07-07. Review status: criteria provided, single submitter. Criteria: Sema4 Curation Guidelines. Collection method: curation. Allele origin: germline.

Illumina Laboratory Services, Illumina
Classification: Benign for Oligodontia-cancer predisposition syndrome. Last evaluated: 2018-01-13. Review status: criteria provided, single submitter. Criteria: ICSL Variant Classification Criteria 13 December 2019. Collection method: clinical testing. Allele origin: germline.
Comment: This variant was observed in the ICSL laboratory as part of a predisposition screen in an ostensibly healthy population. It had not been previously curated by ICSL or reported in the Human Gene Mutation Database (HGMD: prior to June 1st, 2018), and was therefore a candidate for classification through an automated scoring system. Utilizing variant allele frequency, disease prevalence and penetrance estimates, and inheritance mode, an automated score was calculated to assess if this variant is too frequent to cause the disease. Based on the score and internal cut-off values, a variant classified as benign is not then subjected to further curation. The score for this variant resulted in a classification of benign for this disease.

GeneDx
Classification: Benign. Last evaluated: 2015-03-03. Review status: criteria provided, single submitter. Criteria: GeneDx Variant Classification Process June 2021. Collection method: clinical testing. Allele origin: germline. Affected: yes.

PreventionGenetics, part of Exact Sciences
Classification: Likely benign for AXIN2-related condition. Last evaluated: 2019-03-25. Review status: no assertion criteria provided. Collection method: clinical testing. Allele origin: germline. Not counted in ClinVar's aggregate classification.
Comment: This variant is classified as likely benign based on ACMG/AMP sequence variant interpretation guidelines (Richards et al. 2015 PMID: 25741868, with internal and published modifications).

NM_004655.4(AXIN2):c.2406-8C>G

Gene: AXIN2 (axin 2; minus strand). Cytogenetic location: 17q24.1.
Variant type: single nucleotide variant.
Coding change: c.2406-8C>G on transcript NM_004655.4 (MANE Select); 8 bases into the intron before coding-DNA position 2406, C replaced by G.
Molecular consequence: intron variant.
Genome position (GRCh38, 1-based): chr17:65,530,110, G>C on the plus strand (C>G on the coding strand, the complement: AXIN2 is on the minus strand). VCF-style: chr17-65530110-G-C. GRCh37 (hg19) VCF-style: chr17-63526228-G-C.
Other names: c.2406-8C>G (LRG_296t1); c.2211-8C>G (NM_001363813.1).
Identifiers: ClinVar variation 240014 (VCV000240014.42), dbSNP rs143905290, ClinGen allele CA8718296.
Genomic context (GRCh38, chr17:65,530,110, plus strand): 5'-CCTCAAACACCGCTCCACAGGCAAACTCATCGCTTGCTTTTTTGAAGTAATACCTTAAAA[G>C]GAAAACCAAAAAAGCTTCTTGGTAAACTGCATTTTCCACATTGTTGAAAAGAAAAGCATA-3'